The following is an entry in ClinVar:

ClinVar aggregate classification (germline): Uncertain significance (1 of 4 stars; one submission).

Submission:

CeGaT Center for Human Genetics Tuebingen
Classification: Uncertain significance. Last evaluated: 2026-02-01. Review status: criteria provided, single submitter. Criteria: CeGaT Center For Human Genetics Tuebingen Variant Classification Criteria Version 2. Collection method: clinical testing. Allele origin: germline. Affected: yes. Observed: 1 variant allele.
Comment: ARCN1: PM2

NM_001655.5(ARCN1):c.308C>A (p.Ser103Tyr)

Gene: ARCN1 (archain 1 coat protein complex I subunit delta; plus strand). Cytogenetic location: 11q23.3.
Variant type: single nucleotide variant.
Coding change: c.308C>A on transcript NM_001655.5 (MANE Select); coding-DNA position 308, C replaced by A.
Protein change: p.Ser103Tyr; replaces serine 103 with tyrosine.
Molecular consequence: missense variant. On other transcripts: non-coding transcript variant (2), intron variant (1).
Genome position (GRCh38, 1-based): chr11:118,583,219, C>A. VCF-style: chr11-118583219-C-A. GRCh37 (hg19) VCF-style: chr11-118453934-C-A.
Other names: c.44C>A, p.Ser15Tyr (NM_001142281.2, NM_001425081.1); c.308C>A, p.Ser103Tyr (NM_001425073.1, NM_001425077.1, NM_001425078.1); c.305C>A, p.Ser102Tyr (NM_001425074.1, NM_001425079.1); c.251C>A, p.Ser84Tyr (NM_001425075.1); c.239C>A, p.Ser80Tyr (NM_001425076.1); c.4-590C>A (NM_001425080.1); short protein forms S102Y, S103Y, S15Y, S80Y, S84Y.
Identifiers: ClinVar variation 4823582 (VCV004823582.4).